The following is an entry in ClinVar:

NM_001110556.2(FLNA):c.2470T>A (p.Phe824Ile)

Gene: FLNA (filamin A; minus strand). Cytogenetic location: Xq28.
Variant type: single nucleotide variant.
Coding change: c.2470T>A on transcript NM_001110556.2 (MANE Select); coding-DNA position 2470, T replaced by A.
Protein change: p.Phe824Ile; replaces phenylalanine 824 with isoleucine.
Molecular consequence: missense variant.
Genome position (GRCh38, 1-based): chrX:154,362,513, A>T on the plus strand (T>A on the coding strand, the complement: FLNA is on the minus strand). VCF-style: chrX-154362513-A-T. GRCh37 (hg19) VCF-style: chrX-153590881-A-T.
Other names: c.2470T>A (NM_001110556.1); c.2470T>A, p.Phe824Ile (NM_001456.4); short protein forms F824I.
Identifiers: ClinVar variation 4791383 (VCV004791383.2).

ClinVar aggregate classification (germline): Uncertain significance. Review status: criteria provided, multiple submitters, no conflicts (2 of 4 stars). 2 submissions from 2 submitters: Uncertain significance (2). Last evaluated 2025-09-10.

Conditions:
Frontometaphyseal dysplasia (FMD1). Identifiers: Orphanet 1826, MedGen C0265293, MONDO:0015942.
Heterotopia, periventricular, X-linked dominant (PVNH1). Also called: PERIVENTRICULAR NODULAR HETEROTOPIA 1; X-linked periventricular heterotopia; PERIVENTRICULAR NODULAR HETEROTOPIA 4; HETEROTOPIA, PERIVENTRICULAR, 1. Identifiers: Orphanet 2149, Orphanet 82004, MedGen C1848213, MONDO:0010233, OMIM 300049.
Melnick-Needles syndrome (MNS). Also called: Melnick-Needles Syndrome (FLNA-MNS); MELNICK-NEEDLES OSTEODYSPLASTY; OSTEODYSPLASTY OF MELNICK AND NEEDLES. Identifiers: Orphanet 2484, MedGen C0025237, MONDO:0010650, OMIM 309350.
Oto-palato-digital syndrome, type II (OPD2). Also called: Otopalatodigital Syndrome, Type II; FACIOPALATOOSSEOUS SYNDROME; Otopalatodigital Syndrome Type 2 (FLNA-OPD2); OPD II SYNDROME. Identifiers: Orphanet 669, Orphanet 90652, MedGen C1844696, MONDO:0010571, OMIM 304120.
FLNA-related disorder.

Submissions (2):

PreventionGenetics, part of Exact Sciences
Classification: Uncertain significance for FLNA-related condition. Last evaluated: 2025-09-10. Review status: criteria provided, single submitter. Criteria: ACMG Guidelines, 2015. Collection method: clinical testing. Allele origin: germline.
Comment: The FLNA c.2470T>A variant is predicted to result in the amino acid substitution p.Phe824Ile. To our knowledge, this variant has not been reported in the literature or in a large population database (gnomAD), indicating this variant is rare. At this time, the clinical significance of this variant is uncertain due to the absence of conclusive functional and genetic evidence.

Labcorp Genetics (formerly Invitae), Labcorp
Classification: Uncertain significance for Oto-palato-digital syndrome, type II; Heterotopia, periventricular, X-linked dominant; Frontometaphyseal dysplasia; Melnick-Needles syndrome. Last evaluated: 2025-07-16. Review status: criteria provided, single submitter. Criteria: Invitae Variant Classification Sherloc (09022015). Collection method: clinical testing. Allele origin: germline.
Comment: This sequence change replaces phenylalanine, which is neutral and non-polar, with isoleucine, which is neutral and non-polar, at codon 824 of the FLNA protein (p.Phe824Ile). This variant is not present in population databases (gnomAD no frequency). This variant has not been reported in the literature in individuals affected with FLNA-related conditions. Invitae Evidence Modeling of protein sequence and biophysical properties (such as structural, functional, and spatial information, amino acid conservation, physicochemical variation, residue mobility, and thermodynamic stability) indicates that this missense variant is not expected to disrupt FLNA protein function with a negative predictive value of 95%. In summary, the available evidence is currently insufficient to determine the role of this variant in disease. Therefore, it has been classified as a Variant of Uncertain Significance.